The following is an entry in ClinVar:

NM_000135.4(FANCA):c.1489C>T (p.Pro497Ser)

Gene: FANCA (FA complementation group A; minus strand). Cytogenetic location: 16q24.3.
Variant type: single nucleotide variant.
Coding change: c.1489C>T on transcript NM_000135.4 (MANE Select); coding-DNA position 1489, C replaced by T.
Protein change: p.Pro497Ser; replaces proline 497 with serine.
Molecular consequence: missense variant.
Genome position (GRCh38, 1-based): chr16:89,783,084, G>A on the plus strand (C>T on the coding strand, the complement: FANCA is on the minus strand). VCF-style: chr16-89783084-G-A. GRCh37 (hg19) VCF-style: chr16-89849492-G-A.
Other names: c.1489C>T (LRG_495t1); c.1489C>T, p.Pro497Ser (NM_001286167.3); short protein forms P497S.
Identifiers: ClinVar variation 384094 (VCV000384094.4), dbSNP rs1057521855, ClinGen allele CA16607150.
Genomic context (GRCh38, chr16:89,783,084, plus strand): 5'-GTGTCTTGGCCAATGAGATGTAGTCTGTGAGGAGGGAGCGGTACTTGCCGGGAACCAGGG[G>A]TGGGTGGAGAATGTGCACCTGAGGATAGATAGCAGAGCGCAGCACCGTTAGTCTGGGAAC-3'
Protein context (NP_000126.2, residues 487-507): RYLQVHILHP[Pro497Ser]LVPGKYRSLL

ClinVar aggregate classification (germline): Conflicting classifications of pathogenicity. Review status: criteria provided, conflicting classifications (1 of 4 stars). 3 submissions from 3 submitters: Likely pathogenic (2); Uncertain significance (1). Last evaluated 2025-03-07.

Conditions:
Fanconi anemia (FA). Also called: Fanconi's anemia. Identifiers: Orphanet 84, MedGen C0015625, MeSH D005199, MONDO:0019391.

Allele frequency attached by ClinVar (database versions not stated): gnomAD exomes below 0.00001.
gnomAD v4.1: 1 of 1,613,606 alleles (0.000062%); highest among the groups gnomAD compares: Non-Finnish European, 0.000085%; no homozygotes.

Submissions (3):

Labcorp Genetics (formerly Invitae), Labcorp
Classification: Uncertain significance for Fanconi anemia. Last evaluated: 2025-03-07. Review status: criteria provided, single submitter. Criteria: Invitae Variant Classification Sherloc (09022015). Collection method: clinical testing. Allele origin: germline.
Comment: This sequence change replaces proline, which is neutral and non-polar, with serine, which is neutral and polar, at codon 497 of the FANCA protein (p.Pro497Ser). This variant is not present in population databases (gnomAD no frequency). This missense change has been observed in individual(s) with clinical features of fanconi anemia (PMID: 29098742). ClinVar contains an entry for this variant (Variation ID: 384094). Invitae Evidence Modeling of protein sequence and biophysical properties (such as structural, functional, and spatial information, amino acid conservation, physicochemical variation, residue mobility, and thermodynamic stability) indicates that this missense variant is expected to disrupt FANCA protein function with a positive predictive value of 95%. Experimental studies have shown that this missense change affects FANCA function (PMID: 29098742). In summary, the available evidence is currently insufficient to determine the role of this variant in disease. Therefore, it has been classified as a Variant of Uncertain Significance.

Women's Health and Genetics/Laboratory Corporation of America, LabCorp
Classification: Likely pathogenic for Fanconi anemia. Last evaluated: 2024-07-18. Review status: criteria provided, single submitter. Criteria: LabCorp Variant Classification Summary - May 2015. Collection method: clinical testing. Allele origin: germline.
Comment: Variant summary: FANCA c.1489C>T (p.Pro497Ser) results in a non-conservative amino acid change located in the Fanconi anaemia group A protein, N-terminal domain (IPR031729) of the encoded protein sequence. Five of five in-silico tools predict a damaging effect of the variant on protein function. The variant was absent in 251378 control chromosomes (gnomAD). c.1489C>T has been reported in the literature in one individual affected with Fanconi Anemia (Kimble_2018). These data do not allow any conclusion about variant significance. At least one publication reports experimental evidence evaluating an impact on protein function (Kimble_2018). The following publication have been ascertained in the context of this evaluation (PMID: 29098742). ClinVar contains an entry for this variant (Variation ID: 384094). Based on the evidence outlined above, the variant was classified as likely pathogenic.

GeneDx
Classification: Likely pathogenic. Last evaluated: 2016-02-24. Review status: criteria provided, single submitter. Criteria: GeneDx Variant Classification (06012015). Collection method: clinical testing. Allele origin: germline. Affected: yes.
Comment: The P497S variant in the FANCA gene has not been reported previously as a pathogenic variant, nor as a benign variant, to our knowledge. The P497S variant was not observed in approximately 6500 individuals of European and African American ancestry in the NHLBI Exome Sequencing Project, indicating it is not a common benign variant in these populations. The P497S variant is a non-conservative amino acid substitution, which occurs at a position that is conserved across species, and in silico analysis predicts this variant is probably damaging to the protein structure/function. The P497S variant is a strong candidate for a pathogenic variant, however the possibility it may be a rare benign variant cannot be excluded.

Literature cited by the submitters: PubMed 29098742 (cited by Labcorp Genetics (formerly Invitae), Labcorp and Women's Health and Genetics/Laboratory Corporation of America, LabCorp).